The following is an entry in ClinVar:

NM_016239.4(MYO15A):c.7015G>T (p.Glu2339Ter)

Gene: MYO15A (myosin XVA; plus strand). Cytogenetic location: 17p11.2.
Variant type: single nucleotide variant.
Coding change: c.7015G>T on transcript NM_016239.4 (MANE Select); coding-DNA position 7015, G replaced by T.
Protein change: p.Glu2339Ter; replaces glutamic acid 2339 with a stop codon.
Molecular consequence: nonsense.
Genome position (GRCh38, 1-based): chr17:18,149,274, G>T. VCF-style: chr17-18149274-G-T. GRCh37 (hg19) VCF-style: chr17-18052588-G-T.
Other names: short protein forms E2339*.
Identifiers: ClinVar variation 3601385 (VCV003601385.1).

ClinVar aggregate classification (germline): Pathogenic (1 of 4 stars; one submission).

Conditions:
Autosomal recessive nonsyndromic hearing loss 3. Also called: NEUROSENSORY NONSYNDROMIC RECESSIVE DEAFNESS 3. Identifiers: Orphanet 90636, MedGen C1838263, MONDO:0010860, OMIM 600316.

Submission:

Institute of Rare Diseases, West China Hospital, Sichuan University
Classification: Pathogenic for Autosomal recessive nonsyndromic hearing loss 3. Last evaluated: 2025-01-09. Review status: criteria provided, single submitter. Criteria: ClinGen HL ACMG Specifications v1. Collection method: research. Allele origin: germline. Affected: yes.
Comment: PVS1;PM3;PM2_Supporting